The following is an entry in ClinVar:

NM_173598.6(KSR2):c.714C>A (p.Pro238=)

Gene: KSR2 (kinase suppressor of ras 2; minus strand). Cytogenetic location: 12q24.23.
Variant type: single nucleotide variant.
Coding change: c.714C>A on transcript NM_173598.6 (MANE Select); coding-DNA position 714, C replaced by A.
Protein change: p.Pro238=; no amino-acid change (proline 238 retained).
Molecular consequence: synonymous variant.
Genome position (GRCh38, 1-based): chr12:117,761,283, G>T on the plus strand (C>A on the coding strand, the complement: KSR2 is on the minus strand). VCF-style: chr12-117761283-G-T. GRCh37 (hg19) VCF-style: chr12-118199088-G-T.
Identifiers: ClinVar variation 3354390 (VCV003354390.1).

ClinVar aggregate classification (germline): Likely benign (0 of 4 stars; one submission).

Conditions:
KSR2-related disorder. Also called: KSR2-related condition.

gnomAD v4.1: 1 of 1,519,860 alleles (0.000066%); highest among the groups gnomAD compares: Non-Finnish European, 0.000088%; no homozygotes.

Submission:

PreventionGenetics, part of Exact Sciences
Classification: Likely benign for KSR2-related condition. Last evaluated: 2022-08-31. Review status: no assertion criteria provided. Collection method: clinical testing. Allele origin: germline.
Comment: This variant is classified as likely benign based on ACMG/AMP sequence variant interpretation guidelines (Richards et al. 2015 PMID: 25741868, with internal and published modifications).